The following is an entry in ClinVar:

NM_015271.5(TRIM2):c.694C>T (p.His232Tyr)

Gene: TRIM2 (tripartite motif containing 2; plus strand). Cytogenetic location: 4q31.3.
Variant type: single nucleotide variant.
Coding change: c.694C>T on transcript NM_015271.5 (MANE Select); coding-DNA position 694, C replaced by T.
Protein change: p.His232Tyr; replaces histidine 232 with tyrosine.
Molecular consequence: missense variant. On other transcripts: intron variant (2).
Genome position (GRCh38, 1-based): chr4:153,294,393, C>T. VCF-style: chr4-153294393-C-T. GRCh37 (hg19) VCF-style: chr4-154215545-C-T.
Other names: c.613C>T, p.His205Tyr (NM_001130067.2, NM_001351056.2, NM_001375512.1 and 5 more transcripts); c.667C>T, p.His223Tyr (NM_001351054.2); c.664C>T, p.His222Tyr (NM_001351055.2); c.238C>T, p.His80Tyr (NM_001351057.2); c.787C>T, p.His263Tyr (NM_001375488.1); c.784C>T, p.His262Tyr (NM_001375489.1); c.694C>T, p.His232Tyr (NM_001375490.1); c.691C>T, p.His231Tyr (NM_001375491.1); and 3 more; short protein forms H231Y, H262Y, H223Y, H232Y, H263Y, H80Y, H119Y, H205Y.
Identifiers: ClinVar variation 3706486 (VCV003706486.2).

ClinVar aggregate classification (germline): Uncertain significance (1 of 4 stars; one submission).

Conditions:
Charcot-Marie-Tooth disease type 2R. Also called: CHARCOT-MARIE-TOOTH DISEASE, AXONAL, AUTOSOMAL RECESSIVE, TYPE 2R; Charcot-Marie-Tooth disease, axonal, type 2R; CHARCOT-MARIE-TOOTH NEUROPATHY, TYPE 2R. Identifiers: Orphanet 397968, MedGen C3809655, MONDO:0014208, OMIM 615490.

Submission:

Labcorp Genetics (formerly Invitae), Labcorp
Classification: Uncertain significance for Charcot-Marie-Tooth disease type 2R. Last evaluated: 2024-05-31. Review status: criteria provided, single submitter. Criteria: Invitae Variant Classification Sherloc (09022015). Collection method: clinical testing. Allele origin: germline.
Comment: This sequence change replaces histidine, which is basic and polar, with tyrosine, which is neutral and polar, at codon 205 of the TRIM2 protein (p.His205Tyr). This variant is not present in population databases (gnomAD no frequency). This variant has not been reported in the literature in individuals affected with TRIM2-related conditions. An algorithm developed to predict the effect of missense changes on protein structure and function (PolyPhen-2) suggests that this variant is likely to be tolerated. In summary, the available evidence is currently insufficient to determine the role of this variant in disease. Therefore, it has been classified as a Variant of Uncertain Significance.